The following is an entry in ClinVar:

NM_001278716.2(FBXL4):c.1136G>A (p.Arg379His)

Gene: FBXL4 (F-box and leucine rich repeat protein 4; minus strand). Cytogenetic location: 6q16.1.
Variant type: single nucleotide variant.
Coding change: c.1136G>A on transcript NM_001278716.2 (MANE Select); coding-DNA position 1136, G replaced by A.
Protein change: p.Arg379His; replaces arginine 379 with histidine.
Molecular consequence: missense variant. On other transcripts: non-coding transcript variant (2).
Genome position (GRCh38, 1-based): chr6:98,899,449, C>T on the plus strand (G>A on the coding strand, the complement: FBXL4 is on the minus strand). VCF-style: chr6-98899449-C-T. GRCh37 (hg19) VCF-style: chr6-99347325-C-T.
Other names: c.1136G>A, p.Arg379His (NM_012160.5); short protein forms R379H.
Identifiers: ClinVar variation 437701 (VCV000437701.5), dbSNP rs756984960, ClinGen allele CA3933515.

ClinVar aggregate classification (germline): Uncertain significance. Review status: criteria provided, multiple submitters, no conflicts (2 of 4 stars). 2 submissions from 2 submitters: Uncertain significance (2). Last evaluated 2022-02-04.

Conditions:
Mitochondrial DNA depletion syndrome 13. Also called: FBXL4-Related Encephalomyopathic Mitochondrial DNA Depletion Syndrome; Mitochondrial DNA depletion syndrome 13 (encephalomyopathic type). Identifiers: Orphanet 369897, MedGen C3809592, MONDO:0014198, OMIM 615471.

Allele frequency attached by ClinVar (database versions not stated): gnomAD 0.00001 and 0.00002; gnomAD exomes 0.00001 and 0.00002; ExAC 0.00002; TOPMed 0.00002.
gnomAD v4.1: 31 of 1,613,542 alleles (0.0019%); highest among the groups gnomAD compares: African/African-American, 0.0027%; no homozygotes.

Submissions (2):

Labcorp Genetics (formerly Invitae), Labcorp
Classification: Uncertain significance. Last evaluated: 2022-02-04. Review status: criteria provided, single submitter. Criteria: Invitae Variant Classification Sherloc (09022015). Collection method: clinical testing. Allele origin: germline.
Comment: This sequence change replaces arginine, which is basic and polar, with histidine, which is basic and polar, at codon 379 of the FBXL4 protein (p.Arg379His). In summary, the available evidence is currently insufficient to determine the role of this variant in disease. Therefore, it has been classified as a Variant of Uncertain Significance. Advanced modeling of protein sequence and biophysical properties (such as structural, functional, and spatial information, amino acid conservation, physicochemical variation, residue mobility, and thermodynamic stability) performed at Invitae indicates that this missense variant is expected to disrupt FBXL4 protein function. ClinVar contains an entry for this variant (Variation ID: 437701). This variant has not been reported in the literature in individuals affected with FBXL4-related conditions. This variant is present in population databases (rs756984960, gnomAD 0.004%).

Wong Mito Lab, Molecular and Human Genetics, Baylor College of Medicine
Classification: Uncertain significance for Mitochondrial DNA depletion syndrome 13. Last evaluated: 2017-08-10. Review status: criteria provided, single submitter. Criteria: ACMG Guidelines, 2015. Collection method: reference population. Allele origin: germline.
Comment: The NM_012160.4:c.1136G>A (NP_036292.2:p.Arg379His) [GRCH38: NC_000006.12:g.98899449C>T] variant in FBXL4 gene is interpretated to be a Uncertain Significance - Insufficient Evidence based on ACMG guidelines (PMID: 25741868). This variant meets one or more of the following evidence codes reported in the ACMG-guideline. PM2:This variant is absent in key population databases. Based on this evidence code ClinGen Pathogenicity Calculator (PMID:28081714) suggested that the variant is Uncertain Significance - Insufficient Evidence.